The following continues an entry in ClinVar:

NM_000536.4(RAG2):c.104G>C (p.Gly35Ala)

Gene: RAG2. ClinVar aggregate classification (germline): Pathogenic. Pathogenic (1).

Submissions 5 to 11 of 11:

ARUP Laboratories, Molecular Genetics and Genomics, ARUP Laboratories
Classification: Pathogenic. Last evaluated: 2024-07-08. Review status: criteria provided, single submitter. Criteria: ARUP Molecular Germline Variant Investigation Process 2024. Collection method: clinical testing. Allele origin: germline. Not counted in ClinVar's aggregate classification.
Comment: The RAG2 c.104G>C; p.Gly35Ala variant (rs148508754, ClinVar Variation ID 36716) is reported in the literature in the compound heterozygous or homozygous state in several individuals affected with severe combined immunodeficiency (SCID), combined immunodeficiency, hyper IgM syndrome, and recurrent infections (Al-Herz 2018, Platt 2021, Riccetto 2014, Tirosh 2019, Walter 2015). This variant is only observed on one allele in the Genome Aggregation Database (v2.1.1), indicating it is not a common polymorphism. Computational analyses predict that this variant is deleterious (REVEL: 0.898), and functional analyses of the variant protein show reduced recombination activity (Schuetz 2023, Tirosh 2019). Additionally, another variant at this codon (c.104G>T; p.Gly35Val) has been reported in the homozygous state in individuals with SCID and is considered pathogenic (Corneo 2001, Meshaal 2019, Platt 2021, Tabori 2004). Based on available information, the p.Gly35Ala variant is considered to be pathogenic. References: Al-Herz W et al. DNA recombination defects in Kuwait: Clinical, immunologic and genetic profile. Clin Immunol. 2018 Feb;187:68-75. PMID: 29051008. Corneo B et al. Identical mutations in RAG1 or RAG2 genes leading to defective V(D)J recombinase activity can cause either T-B-severe combined immune deficiency or Omenn syndrome. Blood. 2001 May 1;97(9):2772-6. PMID: 11313270. Meshaal SS et al. Phenotypical heterogeneity in RAG-deficient patients from a highly consanguineous population. Clin Exp Immunol. 2019 Feb;195(2):202-212. PMID: 30307608. Platt CD et al. Efficacy and economics of targeted panel versus whole-exome sequencing in 878 patients with suspected primary immunodeficiency. J Allergy Clin Immunol. 2021 Feb;147(2):723-726. PMID: 32888943. Riccetto AG et al. Compound heterozygous RAG2 mutations mimicking hyper IgM syndrome. J Clin Immunol. 2014 Jan;34(1):7-9. PMID: 24174341. Schuetz C et al. Hypomorphic RAG deficiency: impact of disease burden on survival and thymic recovery argues for early diagnosis and HSCT. Blood. 2023 Feb 16;141(7):713-724. PMID: 36279417. Tabori U et al. Detection of RAG mutations and prenatal diagnosis in families presenting with either T-B- severe combined immunodeficiency or Omenn's syndrome. Clin Genet. 2004 Apr;65(4):322-6. PMID: 15025726. Tirosh I et al. Recombination activity of human recombination-activating gene 2 (RAG2) mutations and correlation with clinical phenotype. J Allergy Clin Immunol. 2019 Feb;143(2):726-735. PMID: 29772310. Walter JE et al. Broad-spectrum antibodies against self-antigens and cytokines in RAG deficiency. J Clin Invest. 2015 Nov 2;125(11):4135-48. PMID: 26457731.

Fulgent Genetics
Classification: Likely pathogenic for Combined immunodeficiency with skin granulomas; Severe combined immunodeficiency, autosomal recessive, T cell-negative, B cell-negative, NK cell-positive; Histiocytic medullary reticulosis. Last evaluated: 2024-05-30. Review status: criteria provided, single submitter. Criteria: ACMG Guidelines, 2015. Collection method: clinical testing. Allele origin: germline. Not counted in ClinVar's aggregate classification.

Baylor Genetics
Classification: Pathogenic for Combined immunodeficiency with skin granulomas. Last evaluated: 2023-12-14. Review status: criteria provided, single submitter. Criteria: ACMG Guidelines, 2015. Collection method: clinical testing. Allele origin: unknown. Not counted in ClinVar's aggregate classification.

Women's Health and Genetics/Laboratory Corporation of America, LabCorp
Classification: Pathogenic for Severe combined immunodeficiency disease. Last evaluated: 2023-03-03. Review status: criteria provided, single submitter. Criteria: LabCorp Variant Classification Summary - May 2015. Collection method: clinical testing. Allele origin: germline. Not counted in ClinVar's aggregate classification.
Comment: Variant summary: RAG2 c.104G>C (p.Gly35Ala) results in a non-conservative amino acid change in the encoded protein sequence. Five of five in-silico tools predict a damaging effect of the variant on protein function. The variant allele was found at a frequency of 4e-06 in 251316 control chromosomes (gnomAD). c.104G>C has been reported in the literature in multiple individuals affected with severe combined immunodeficiency, combined immunodeficiency, hyper IgM syndrome and recurrent infections (examples: Riccetto_2014, Dobbs_2017, Al-Herz_2018, Tirosh_2019, and Alrui_2019). These data indicate that the variant is very likely to be associated with disease. At least one publication reports experimental evidence evaluating an impact on protein function. Tirosh_2019 have reported recombination activity for this variant (G35A -22%) and G35V was 0.4% as a percentage of wild type, suggesting this residue is critical for the normal function of the protein. Three clinical diagnostic laboratories have submitted clinical-significance assessments for this variant to ClinVar after 2014 and classified the variant as VUS (n=1) and pathogenic/likely pathogenic (n=2). Based on the evidence outlined above, the variant was classified as pathogenic.

Laboratorio de Genetica e Diagnostico Molecular, Hospital Israelita Albert Einstein
Classification: Pathogenic for Severe combined immunodeficiency, autosomal recessive, T cell-negative, B cell-negative, NK cell-positive. Last evaluated: 2022-12-02. Review status: criteria provided, single submitter. Criteria: ACMG Guidelines, 2015. Collection method: clinical testing. Allele origin: germline. Affected: yes. Observed: 1 variant allele. Not counted in ClinVar's aggregate classification.
Comment: ACMG classification criteria: PS3 supporting, PM2 moderated, PM3 strong, PM5 moderated, PP3 supporting

Pediatric Immunology Service, The Chaim Sheba Medical Center at Tel HaShomer
Classification: Uncertain significance for RAG2 deficiency; Primary immunodeficiency; Atypical severe combined immunodeficiency due to complete RAG1/2 deficiency. Last evaluated: 2018-03-06. Review status: criteria provided, single submitter. Criteria: ACMG Guidelines, 2015. Collection method: research. Allele origin: germline. Affected: yes. Not counted in ClinVar's aggregate classification.

PreventionGenetics, part of Exact Sciences
Classification: Pathogenic for RAG2-related condition. Last evaluated: 2024-04-24. Review status: no assertion criteria provided. Collection method: clinical testing. Allele origin: germline. Not counted in ClinVar's aggregate classification.
Comment: The RAG2 c.104G>C variant is predicted to result in the amino acid substitution p.Gly35Ala. This variant has been previously reported in the compound heterozygous and homozygous states in individuals with severe combined immunodeficiency (SCID), leaky SCID, or Omenn syndrome (Riccetto et al. 2014. PubMed ID: 24174341; Dobbs et al. 2017. PubMed ID: 28769923; Al-Herz et al. 2018. PubMed ID: 29051008; Aluri et al. 2019. PubMed ID: 30778343; Tirosh et al. 2019. PubMed ID: 29772310). Consistent with these reports, a mutant G35A RAG2 had significantly less activity than wild-type protein in cell-based recombinase activity assays (Tirosh et al. 2019. PubMed ID: 29772310), which suggests the p.Gly35Ala change is deleterious for Rag2 function. A different missense change at the same position, p.Gly35Val, has been reported in multiple unrelated homozygous individuals with RAG2-related disease, and has also been shown in functional studies to abolish recombination activity of the RAG2 protein (Corneo et al. 2000. PubMed ID: 10777560; Tabori et al. 2004. PubMed ID: 15025726; Meshaal et al. 2019. PubMed ID: 30307608; Tirosh et al. 2019. PubMed ID: 29772310). This variant is reported in 0.0033% of alleles in individuals of South Asian descent in gnomAD. This variant is interpreted as pathogenic.

Literature cited by the submitters: PubMed 24174341 (cited by Labcorp Genetics (formerly Invitae), Labcorp and Women's Health and Genetics/Laboratory Corporation of America, LabCorp); PubMed 26457731 (cited by 3 submitters); PubMed 28769923 (cited by Labcorp Genetics (formerly Invitae), Labcorp); PubMed 29051008 (cited by 3 submitters); PubMed 29772310 (cited by Labcorp Genetics (formerly Invitae), Labcorp and Women's Health and Genetics/Laboratory Corporation of America, LabCorp); PubMed 30778343 (cited by 3 submitters); PubMed 31388879 (cited by Labcorp Genetics (formerly Invitae), Labcorp and Women's Health and Genetics/Laboratory Corporation of America, LabCorp); PubMed 15025726 (cited by Labcorp Genetics (formerly Invitae), Labcorp); PubMed 30307608 (cited by Labcorp Genetics (formerly Invitae), Labcorp); PubMed 32888943 (cited by Women's Health and Genetics/Laboratory Corporation of America, LabCorp).